The following is an entry in ClinVar:

ClinVar aggregate classification (germline): Conflicting classifications of pathogenicity. Review status: criteria provided, conflicting classifications (1 of 4 stars). 5 submissions from 4 submitters: Uncertain significance (2); Likely benign (3). Last evaluated 2024-09-21.

Conditions:
RYR1-related disorder. Also called: RYR1-related condition; RYR1-related disorders. Identifiers: MedGen CN239331.
Congenital multicore myopathy with external ophthalmoplegia (CMYO1B). Also called: MULTICORE MYOPATHY; Minicore myopathy with external ophthalmoplegia; Congenital myopathy 1B, autosomal recessive; Minicore myopathy; MULTIMINICORE DISEASE WITH EXTERNAL OPHTHALMOPLEGIA. Identifiers: Orphanet 598, Orphanet 98905, MedGen C1850674, MONDO:0009712, OMIM 255320, HP:0003789.
Malignant hyperthermia, susceptibility to, 1 (MHS1). Also called: Anesthesia related hyperthermia; Malignant hyperpyrexia; Fulminating hyperpyrexia; Pharmacogenic myopathy; RYR1-Related Malignant Hyperthermia Susceptibility; Malignant hyperthermia suceptibility 1. Identifiers: Orphanet 423, MedGen C2930980, MONDO:0007783, OMIM 145600.

Allele frequency attached by ClinVar (database versions not stated): gnomAD 0.00001; gnomAD exomes 0.00001; ExAC 0.00002.
gnomAD v4.1: 5 of 1,613,972 alleles (0.00031%); no homozygotes.

Submissions (5):

Labcorp Genetics (formerly Invitae), Labcorp
Classification: Likely benign for RYR1-related disorder. Last evaluated: 2024-09-21. Review status: criteria provided, single submitter. Criteria: Invitae Variant Classification Sherloc (09022015). Collection method: clinical testing. Allele origin: germline.

All of Us Research Program, National Institutes of Health
Classification: Likely benign for Malignant hyperthermia, susceptibility to, 1. Last evaluated: 2023-11-20. Review status: criteria provided, single submitter. Criteria: ACMG Guidelines, 2015. Collection method: clinical testing. Allele origin: germline. Inheritance: Autosomal dominant inheritance. Observed: 3 variant alleles, 3 heterozygotes.
Comment: This study involves interpretation of variants in research participants for the purpose of population health screening. Participant phenotype was not available at the time of variant classification. Additional details can be found in publication PMID: 35346344, PMCID: PMC8962531

Color Diagnostics, LLC DBA Color Health
Classification: Likely benign for Malignant hyperthermia, susceptibility to, 1. Last evaluated: 2023-07-31. Review status: criteria provided, single submitter. Criteria: ACMG Guidelines, 2015. Collection method: clinical testing. Allele origin: germline.

Illumina Laboratory Services, Illumina
Classification: Uncertain significance for Congenital multicore myopathy with external ophthalmoplegia. Last evaluated: 2018-01-13. Review status: criteria provided, single submitter. Criteria: ICSL Variant Classification Criteria 13 December 2019. Collection method: clinical testing. Allele origin: germline.

Illumina Laboratory Services, Illumina
Classification: Uncertain significance for Malignant hyperthermia, susceptibility to, 1. Last evaluated: 2018-01-13. Review status: criteria provided, single submitter. Criteria: ICSL Variant Classification Criteria 13 December 2019. Collection method: clinical testing. Allele origin: germline.

NM_000540.3(RYR1):c.5548-9G>T

Gene: RYR1 (ryanodine receptor 1; plus strand). Cytogenetic location: 19q13.2.
Variant type: single nucleotide variant.
Coding change: c.5548-9G>T on transcript NM_000540.3 (MANE Select); 9 bases into the intron before coding-DNA position 5548, G replaced by T.
Molecular consequence: intron variant.
Genome position (GRCh38, 1-based): chr19:38,489,168, G>T. VCF-style: chr19-38489168-G-T. GRCh37 (hg19) VCF-style: chr19-38979808-G-T.
Other names: c.5548-9G>T (NM_001042723.2).
Identifiers: ClinVar variation 329039 (VCV000329039.14), dbSNP rs776320867, ClinGen allele CA067270.
Genomic context (GRCh38, chr19:38,489,168, plus strand): 5'-GAATGAGGCCAGGGCCTGATGATGGAGGCCTTGCAGGCCACAGTGAAGAACCGAGACTTT[G>T]TCCTGTAGGTGATGGGCATCTTTGGCGATGAGGATGTGAAACAGATCTTGAAGATGATTG-3'